The following is an entry in ClinVar:

NC_000020.10:g.(?_62290746)_(62312082_?)del

Gene: RTEL1 (regulator of telomere elongation helicase 1; plus strand). Cytogenetic location: 20q13.33.
Variant type: Deletion.
Identifiers: ClinVar variation 1073438 (VCV001073438.10).

ClinVar aggregate classification (germline): Pathogenic (1 of 4 stars; one submission).

Conditions:
Pulmonary fibrosis and/or bone marrow failure, Telomere-related, 3. Also called: PULMONARY FIBROSIS AND/OR BONE MARROW FAILURE SYNDROME, TELOMERE-RELATED, 3. Identifiers: Orphanet 2032, MedGen C4225346, MONDO:0014613, OMIM 616373.
Dyskeratosis congenita, autosomal recessive 5 (DKCB5). Identifiers: MedGen C3554656, MONDO:0014076, OMIM 615190.

Submission:

Labcorp Genetics (formerly Invitae), Labcorp
Classification: Pathogenic for Dyskeratosis congenita, autosomal recessive 5; Pulmonary fibrosis and/or bone marrow failure, Telomere-related, 3. Last evaluated: 2022-05-27. Review status: criteria provided, single submitter. Criteria: Invitae Variant Classification Sherloc (09022015). Collection method: clinical testing. Allele origin: germline.
Comment: For these reasons, this variant has been classified as Pathogenic. This variant has not been reported in the literature in individuals affected with RTEL1-related conditions. This variant is a gross deletion of the genomic region encompassing exon(s) 2-14 of the RTEL1 gene, which includes the initiator codon. This deletion extends beyond the assayed region for this gene and therefore may encompass additional genes. It is expected to result in an absent or disrupted protein product. Loss-of-function variants in RTEL1 are known to be pathogenic (PMID: 23453664, 23959892, 25607374).

Literature cited by the submitters: PubMed 23453664; PubMed 23959892; PubMed 25607374.